The following is an entry in ClinVar:

ClinVar aggregate classification (germline): Likely pathogenic (1 of 4 stars; one submission).

Submission:

Labcorp Genetics (formerly Invitae), Labcorp
Classification: Likely pathogenic. Last evaluated: 2022-03-15. Review status: criteria provided, single submitter. Criteria: Invitae Variant Classification Sherloc (09022015). Collection method: clinical testing. Allele origin: germline.
Comment: In summary, the currently available evidence indicates that the variant is pathogenic, but additional data are needed to prove that conclusively. Therefore, this variant has been classified as Likely Pathogenic. Algorithms developed to predict the effect of sequence changes on RNA splicing suggest that this variant may disrupt the consensus splice site. This variant has not been reported in the literature in individuals affected with LAMA3-related conditions. This variant is not present in population databases (gnomAD no frequency). This sequence change affects an acceptor splice site in intron 34 of the LAMA3 gene. It is expected to disrupt RNA splicing. Variants that disrupt the donor or acceptor splice site typically lead to a loss of protein function (PMID: 16199547), and loss-of-function variants in LAMA3 are known to be pathogenic (PMID: 10366601, 11810295, 12915477, 16473856, 17362460, 22434185, 23869449, 27827380, 28087116).

Literature cited by the submitters: PubMed 16199547; PubMed 10366601; PubMed 11810295; PubMed 12915477; PubMed 16473856; PubMed 17362460; PubMed 22434185; PubMed 23869449; PubMed 27827380; PubMed 28087116.

NM_198129.4(LAMA3):c.9512-2A>G

Gene: LAMA3 (laminin subunit alpha 3; plus strand). Cytogenetic location: 18q11.2.
Variant type: single nucleotide variant.
Coding change: c.9512-2A>G on transcript NM_198129.4 (MANE Select); the canonical splice acceptor site of the intron before coding-DNA position 9512, A replaced by G.
Molecular consequence: splice acceptor variant.
Genome position (GRCh38, 1-based): chr18:23,950,027, A>G. VCF-style: chr18-23950027-A-G. GRCh37 (hg19) VCF-style: chr18-21529991-A-G.
Other names: c.9344-2A>G (NM_001127717.4); c.4685-2A>G (NM_000227.6); c.4517-2A>G (NM_001127718.4).
Identifiers: ClinVar variation 2112754 (VCV002112754.4), dbSNP rs2511682630, ClinGen allele CA402051865.
Genomic context (GRCh38, chr18:23,950,027, plus strand): 5'-AACTGTATCCTGTTTTCTTTCATGGTGATGCTTTAACTTTTGCTTTGTTTCTCTTTTGAA[A>G]GCTCACTCTGTATTGTTGGGGCCAGAATTTAAGCTTGTTTTCAGCATCCGCCCAAGAAGT-3'